The following is an entry in ClinVar:

ClinVar aggregate classification (germline): Pathogenic (1 of 4 stars; one submission).

Submission:

Labcorp Genetics (formerly Invitae), Labcorp
Classification: Pathogenic. Last evaluated: 2020-08-14. Review status: criteria provided, single submitter. Criteria: Invitae Variant Classification Sherloc (09022015). Collection method: clinical testing. Allele origin: germline.
Comment: For these reasons, this variant has been classified as Pathogenic. This sequence change creates a premature translational stop signal (p.Trp3887*) in the USH2A gene. It is expected to result in an absent or disrupted protein product. This variant is not present in population databases (ExAC no frequency). This variant has not been reported in the literature in individuals with USH2A-related conditions. Loss-of-function variants in USH2A are known to be pathogenic (PMID: 10729113, 10909849, 20507924, 25649381).

Literature cited by the submitters: PubMed 10729113; PubMed 10909849; PubMed 20507924; PubMed 25649381.

NM_206933.4(USH2A):c.11660G>A (p.Trp3887Ter)

Gene: USH2A (usherin; minus strand). Cytogenetic location: 1q41.
Variant type: single nucleotide variant.
Coding change: c.11660G>A on transcript NM_206933.4 (MANE Select); coding-DNA position 11660, G replaced by A.
Protein change: p.Trp3887Ter; replaces tryptophan 3887 with a stop codon.
Molecular consequence: nonsense.
Genome position (GRCh38, 1-based): chr1:215,741,426, C>T on the plus strand (G>A on the coding strand, the complement: USH2A is on the minus strand). VCF-style: chr1-215741426-C-T. GRCh37 (hg19) VCF-style: chr1-215914768-C-T.
Other names: short protein forms W3887*.
Identifiers: ClinVar variation 1072495 (VCV001072495.7), dbSNP rs1660298900, ClinGen allele CA344833436.